The following is an entry in ClinVar:

NM_007294.4(BRCA1):c.2850_2851del (p.Arg951fs)

Gene: BRCA1 (BRCA1 DNA repair associated; minus strand). Cytogenetic location: 17q21.31.
Variant type: Deletion.
Coding change: c.2850_2851del on transcript NM_007294.4 (MANE Select); coding-DNA positions 2850 to 2851, 2 bases deleted (TA; older notation c.2850_2851delTA).
Protein change: p.Arg951fs; shifts the reading frame from arginine 951.
Molecular consequence: frameshift variant. On other transcripts: intron variant (137).
Genome position (GRCh38, 1-based): chr17:43,092,680-43,092,681, TA deleted on the plus strand (TA on the coding strand, the reverse complement: BRCA1 is on the minus strand). VCF-style (leftmost placement, unchanged base first): chr17-43092679-CTA-C. GRCh37 (hg19) VCF-style: chr17-41244696-CTA-C.
Other names: c.2847_2848del, p.Arg950fs (NM_001407615.1, NM_001407610.1, NM_001407611.1 and 22 more transcripts); c.2850_2851del, p.Arg951fs (NM_001407616.1, NM_001407617.1, NM_001407618.1 and 30 more transcripts); c.2637_2638del, p.Arg880fs (NM_001407897.1, NM_001407898.1, NM_001407899.1 and 9 more transcripts); c.2640_2641del, p.Arg881fs (NM_001407900.1, NM_001407902.1, NM_001407904.1 and 13 more transcripts); c.2586_2587del, p.Arg863fs (NM_001407922.1, NM_001407923.1, NM_001407924.1 and 9 more transcripts); c.2724_2725del, p.Arg909fs (NM_001407940.1, NM_001407941.1, NM_001407649.1 and 11 more transcripts); c.2709_2710del, p.Arg904fs (NM_001407942.1, NM_001407944.1, NM_001407945.1 and 29 more transcripts); c.2706_2707del, p.Arg903fs (NM_001407943.1, NM_001407964.1, NM_001407744.1 and 20 more transcripts); and 41 more; short protein forms R655fs, R783fs, R823fs, R824fs, R839fs, R840fs, R862fs, R863fs.
Identifiers: ClinVar variation 4871869 (VCV004871869.1).

ClinVar aggregate classification (germline): Pathogenic (1 of 4 stars; one submission).

Conditions:
Inherited ovarian cancer (without breast cancer).

Submission:

Genetics Laboratory, Great Ormond Street Hospital NHS Foundation Trust, North Thames Genomic Laboratory Hub
Classification: Pathogenic for Inherited ovarian cancer (without breast cancer). Last evaluated: 2026-05-22. Review status: criteria provided, single submitter. Criteria: CanVIG BRCA Gene Specific V1.22. Collection method: clinical testing. Allele origin: germline. Affected: yes.
Comment: PM2_supporting, PVS1_very-strong, PM5_strong